The following is an entry in ClinVar:

NM_014845.6(FIG4):c.2547-5T>G

Gene: FIG4 (FIG4 phosphoinositide 5-phosphatase; plus strand). Cytogenetic location: 6q21.
Variant type: single nucleotide variant.
Coding change: c.2547-5T>G on transcript NM_014845.6 (MANE Select); 5 bases into the intron before coding-DNA position 2547, T replaced by G.
Molecular consequence: intron variant.
Genome position (GRCh38, 1-based): chr6:109,825,083, T>G. VCF-style: chr6-109825083-T-G. GRCh37 (hg19) VCF-style: chr6-110146286-T-G.
Other names: p.?.
Identifiers: ClinVar variation 355047 (VCV000355047.71), dbSNP rs200267243, ClinGen allele CA3956446.

ClinVar aggregate classification (germline): Conflicting classifications of pathogenicity. Review status: criteria provided, conflicting classifications (1 of 4 stars). 11 submissions from 10 submitters: Uncertain significance (4); Likely benign (7). Last evaluated 2026-07-01.

Conditions:
Charcot-Marie-Tooth disease type 4. Also called: Charcot-Marie-Tooth disease, type IV; Charcot-Marie-Tooth, Type 4. Identifiers: Orphanet 64749, MedGen C4082197, MONDO:0018995.
Charcot-Marie-Tooth disease type 4J (CMT4J). Also called: CHARCOT-MARIE-TOOTH DISEASE, DEMYELINATING, TYPE 4J; Charcot-Marie-Tooth Neuropathy Type 4J; CHARCOT-MARIE-TOOTH DISEASE, AUTOSOMAL RECESSIVE, TYPE 4J. Identifiers: Orphanet 139515, MedGen C1970011, MONDO:0012640, OMIM 611228.
Inborn genetic diseases. Identifiers: MedGen C0950123, MeSH D030342.
FIG4-related disorder. Also called: FIG4-related condition; FIG4-related disorders.
Charcot-Marie-Tooth disease. Also called: Charcot-Marie-Tooth Neuropathy; Charcot-Marie-Tooth Hereditary Neuropathy. Identifiers: Orphanet 166, MedGen C0007959, MONDO:0015626.
Amyotrophic lateral sclerosis type 11 (ALS11). Identifiers: Orphanet 803, MedGen C2675491, MONDO:0012945, OMIM 612577.

Allele frequency attached by ClinVar (database versions not stated): ExAC 0.00032; TOPMed 0.00035; ESP Exome Variant Server 0.00085.
gnomAD v4.1: 1,004 of 1,613,092 alleles (0.062%); highest among the groups gnomAD compares: Non-Finnish European, 0.079%; 1 homozygote.

Submissions (13):

CeGaT Center for Human Genetics Tuebingen
Classification: Likely benign. Last evaluated: 2026-07-01. Review status: criteria provided, single submitter. Criteria: CeGaT Center For Human Genetics Tuebingen Variant Classification Criteria Version 2. Collection method: clinical testing. Allele origin: germline. Affected: yes. Observed: 5 variant alleles.
Comment: FIG4: BP4, BS2

Ambry Genetics
Classification: Uncertain significance for Inborn genetic diseases. Last evaluated: 2026-06-12. Review status: criteria provided, single submitter. Criteria: Ambry Variant Classification Scheme 2023. Collection method: clinical testing. Allele origin: germline.
Comment: The c.2547-5T>G intronic alteration consists of a T to G substitution 5 nucleotides before coding exon 23 in the FIG4 gene. Based on data from gnomAD, the G allele has an overall frequency of 0.034% (97/281940) total alleles studied. The highest observed frequency was 0.064% (82/128464) of European (non-Finnish) alleles. Based on insufficient or conflicting evidence, the clinical significance of this alteration remains unclear.

PreventionGenetics, part of Exact Sciences
Classification: Likely benign for FIG4-related condition. Last evaluated: 2026-05-20. Review status: criteria provided, single submitter. Criteria: ACMG Guidelines, 2015. Collection method: clinical testing. Allele origin: germline.
Comment: This variant is classified as likely benign based on ACMG/AMP sequence variant interpretation guidelines (Richards et al. 2015 PMID: 25741868, with internal and published modifications).

Labcorp Genetics (formerly Invitae), Labcorp
Classification: Likely benign for Charcot-Marie-Tooth disease type 4. Last evaluated: 2026-01-26. Review status: criteria provided, single submitter. Criteria: Invitae Variant Classification Sherloc (09022015). Collection method: clinical testing. Allele origin: germline.

Mayo Clinic Laboratories, Mayo Clinic
Classification: Likely benign. Last evaluated: 2025-03-17. Review status: criteria provided, single submitter. Criteria: ACMG Guidelines, 2015. Collection method: clinical testing. Allele origin: germline. Observed: 3 variant alleles.
Comment: BP4, BP7

Athena Diagnostics
Classification: Uncertain significance. Last evaluated: 2022-05-18. Review status: criteria provided, single submitter. Criteria: Athena Diagnostics Criteria. Collection method: clinical testing. Allele origin: unknown.

GeneDx
Classification: Likely benign. Last evaluated: 2021-01-18. Review status: criteria provided, single submitter. Criteria: GeneDx Variant Classification Process June 2021. Collection method: clinical testing. Allele origin: germline. Affected: yes.
Comment: This variant is associated with the following publications: (PMID: 32376792)

ARUP Laboratories, Molecular Genetics and Genomics, ARUP Laboratories
Classification: Uncertain significance. Last evaluated: 2019-11-20. Review status: criteria provided, single submitter. Criteria: ARUP Molecular Germline Variant Investigation Process. Collection method: clinical testing. Allele origin: germline.
Comment: The FIG4 c.2547-5T>G variant (rs200267243), to our knowledge, is not reported in the medical literature but is reported in ClinVar (Variation ID: 355047). This variant is found in the general population with an allele frequency of 0.034% (97/281,940 alleles) in the Genome Aggregation Database. This is an intronic variant in a weakly conserved nucleotide, but computational analyses (Alamut v.2.11) predict that this variant may impact splicing by weakening the nearby canonical acceptor splice site. However, given the lack of clinical and functional data, the significance of this variant is uncertain at this time.

Illumina Laboratory Services, Illumina
Classification: Uncertain significance for Charcot-Marie-Tooth disease type 4J. Last evaluated: 2018-01-12. Review status: criteria provided, single submitter. Criteria: ICSL Variant Classification Criteria 13 December 2019. Collection method: clinical testing. Allele origin: germline.

Illumina Laboratory Services, Illumina
Classification: Likely benign for Amyotrophic lateral sclerosis type 11. Last evaluated: 2018-01-12. Review status: criteria provided, single submitter. Criteria: ICSL Variant Classification Criteria 13 December 2019. Collection method: clinical testing. Allele origin: germline.
Comment: This variant was observed in the ICSL laboratory as part of a predisposition screen in an ostensibly healthy population. It had not been previously curated by ICSL or reported in the Human Gene Mutation Database (HGMD: prior to June 1st, 2018), and was therefore a candidate for classification through an automated scoring system. Utilizing variant allele frequency, disease prevalence and penetrance estimates, and inheritance mode, an automated score was calculated to assess if this variant is too frequent to cause the disease. Based on the score and internal cut-off values, a variant classified as likely benign is not then subjected to further curation. The score for this variant resulted in a classification of likely benign for this disease.

Molecular Genetics Laboratory, London Health Sciences Centre
Classification: Likely benign for Charcot-Marie-Tooth disease. Review status: criteria provided, single submitter. Criteria: ACMG Guidelines, 2015. Collection method: clinical testing. Allele origin: germline. Affected: yes.

Dr. Peter K. Rogan Lab, Western University
No classification provided (evidence only). Condition: Familial cancer of breast. Review status: no classification provided. Collection method: in vitro. Allele origin: not applicable. Functional consequence: retained intron. Not counted in ClinVar's aggregate classification.

Dr. Peter K. Rogan Lab, Western University
No classification provided (evidence only). Condition: Chronic lymphocytic leukemia/small lymphocytic lymphoma. Review status: no classification provided. Collection method: in vitro. Allele origin: not applicable. Functional consequence: retained intron. Not counted in ClinVar's aggregate classification.

Literature cited by the submitters: PubMed 32376792 (cited by Mayo Clinic Laboratories, Mayo Clinic); PubMed 32385536 (cited by Athena Diagnostics).